The following is an entry in ClinVar:

NM_001458.5(FLNC):c.2062G>C (p.Ala688Pro)

Gene: FLNC (filamin C; plus strand). Cytogenetic location: 7q32.1.
Variant type: single nucleotide variant.
Coding change: c.2062G>C on transcript NM_001458.5 (MANE Select); coding-DNA position 2062, G replaced by C.
Protein change: p.Ala688Pro; replaces alanine 688 with proline.
Molecular consequence: missense variant.
Genome position (GRCh38, 1-based): chr7:128,841,508, G>C. VCF-style: chr7-128841508-G-C. GRCh37 (hg19) VCF-style: chr7-128481562-G-C.
Other names: c.2062G>C, p.Ala688Pro (NM_001127487.2); short protein forms A688P.
Identifiers: ClinVar variation 1442372 (VCV001442372.6), dbSNP rs774194364, ClinGen allele CA166217474.

ClinVar aggregate classification (germline): Uncertain significance (1 of 4 stars; one submission).

Conditions:
Hypertrophic cardiomyopathy 26. Also called: Cardiomyopathy, familial hypertrophic, 26. Identifiers: Orphanet 75249, MedGen C4310749, MONDO:0014883, OMIM 617047.
Myofibrillar myopathy 5. Also called: Filaminopathy (type); FILAMINOPATHY, AUTOSOMAL DOMINANT. Identifiers: Orphanet 171445, MedGen C1836050, MONDO:0012289, OMIM 609524.
Distal myopathy with posterior leg and anterior hand involvement. Also called: WILLIAMS DISTAL MYOPATHY. Identifiers: Orphanet 63273, MedGen C3279722, MONDO:0013550, OMIM 614065.

gnomAD v4.1: 2 of 1,614,010 alleles (0.00012%); highest among the groups gnomAD compares: African/African-American, 0.0027%; no homozygotes.

Submission:

Labcorp Genetics (formerly Invitae), Labcorp
Classification: Uncertain significance for Distal myopathy with posterior leg and anterior hand involvement; Myofibrillar myopathy 5; Hypertrophic cardiomyopathy 26. Last evaluated: 2025-05-30. Review status: criteria provided, single submitter. Criteria: Invitae Variant Classification Sherloc (09022015). Collection method: clinical testing. Allele origin: germline.
Comment: This sequence change replaces alanine, which is neutral and non-polar, with proline, which is neutral and non-polar, at codon 688 of the FLNC protein (p.Ala688Pro). This variant is not present in population databases (gnomAD no frequency). This variant has not been reported in the literature in individuals affected with FLNC-related conditions. ClinVar contains an entry for this variant (Variation ID: 1442372). Invitae Evidence Modeling of protein sequence and biophysical properties (such as structural, functional, and spatial information, amino acid conservation, physicochemical variation, residue mobility, and thermodynamic stability) has been performed for this missense variant. However, the output from this modeling did not meet the statistical confidence thresholds required to predict the impact of this variant on FLNC protein function. In summary, the available evidence is currently insufficient to determine the role of this variant in disease. Therefore, it has been classified as a Variant of Uncertain Significance.